The following is an entry in ClinVar:

ClinVar aggregate classification (germline): Conflicting classifications of pathogenicity. Review status: criteria provided, conflicting classifications (1 of 4 stars). 2 submissions from 2 submitters: Likely pathogenic (1); Uncertain significance (1). Last evaluated 2025-12-23.

Conditions:
Familial thoracic aortic aneurysm and aortic dissection (TAAD). Also called: Thoracic aortic aneurysms and dissections. Identifiers: Orphanet 91387, MedGen C4707243, MONDO:0019625.

Submissions (2):

Ambry Genetics
Classification: Uncertain significance for Familial thoracic aortic aneurysm and aortic dissection. Last evaluated: 2025-12-23. Review status: criteria provided, single submitter. Criteria: Ambry Variant Classification Scheme 2023. Collection method: clinical testing. Allele origin: germline.
Comment: The p.W504R variant (also known as c.1510T>C), located in coding exon 6 of the TGFBR2 gene, results from a T to C substitution at nucleotide position 1510. The tryptophan at codon 504 is replaced by arginine, an amino acid with dissimilar properties. This variant was reported in individual(s) with features consistent with thoracic aortic aneurysm/dissection (external communication). This amino acid position is highly conserved in available vertebrate species. In addition, this alteration is predicted to be deleterious by in silico analysis. Based on the available evidence, the clinical significance of this variant remains unclear.

Labcorp Genetics (formerly Invitae), Labcorp
Classification: Likely pathogenic for Familial thoracic aortic aneurysm and aortic dissection. Last evaluated: 2025-06-22. Review status: criteria provided, single submitter. Criteria: Invitae Variant Classification Sherloc (09022015). Collection method: clinical testing. Allele origin: germline.
Comment: This sequence change replaces tryptophan, which is neutral and slightly polar, with arginine, which is basic and polar, at codon 504 of the TGFBR2 protein (p.Trp504Arg). This variant is not present in population databases (gnomAD no frequency). This missense change has been observed in individuals with clinical features of TGFBR2-related conditions (internal data). ClinVar contains an entry for this variant (Variation ID: 655392). Invitae Evidence Modeling of protein sequence and biophysical properties (such as structural, functional, and spatial information, amino acid conservation, physicochemical variation, residue mobility, and thermodynamic stability) indicates that this missense variant is expected to disrupt TGFBR2 protein function with a positive predictive value of 95%. In summary, the currently available evidence indicates that the variant is pathogenic, but additional data are needed to prove that conclusively. Therefore, this variant has been classified as Likely Pathogenic.

NM_003242.6(TGFBR2):c.1510T>C (p.Trp504Arg)

Gene: TGFBR2 (transforming growth factor beta receptor 2; plus strand). Cytogenetic location: 3p24.1.
Variant type: single nucleotide variant.
Coding change: c.1510T>C on transcript NM_003242.6 (MANE Select); coding-DNA position 1510, T replaced by C.
Protein change: p.Trp504Arg; replaces tryptophan 504 with arginine.
Molecular consequence: missense variant.
Genome position (GRCh38, 1-based): chr3:30,688,497, T>C. VCF-style: chr3-30688497-T-C. GRCh37 (hg19) VCF-style: chr3-30729989-T-C.
Other names: c.1537T>C, p.Trp513Arg (NM_001407128.1); c.1513T>C, p.Trp505Arg (NM_001407129.1); c.1507T>C, p.Trp503Arg (NM_001407130.1); c.1405T>C, p.Trp469Arg (NM_001407132.1, NM_001407133.1, NM_001407134.1 and 2 more transcripts); c.1225T>C, p.Trp409Arg (NM_001407137.1); c.1585T>C, p.Trp529Arg (NM_001024847.3); c.1693T>C, p.Trp565Arg (NM_001407126.1); c.1618T>C, p.Trp540Arg (NM_001407127.1); and 2 more; short protein forms W504R, W529R, W214R, W503R, W505R, W384R, W513R, W540R.
Identifiers: ClinVar variation 655392 (VCV000655392.9), dbSNP rs1575165264, ClinGen allele CA351809432.